The following is an entry in ClinVar:

ClinVar aggregate classification (germline): Uncertain significance (1 of 4 stars; one submission).

Allele frequency attached by ClinVar (database versions not stated): gnomAD exomes 0.00001; TOPMed 0.00001; gnomAD 0.00002; ExAC 0.00003; ESP Exome Variant Server 0.00008.
gnomAD v4.1: 18 of 1,613,216 alleles (0.0011%); highest among the groups gnomAD compares: Middle Eastern, 0.016%; no homozygotes.

Submission:

Labcorp Genetics (formerly Invitae), Labcorp
Classification: Uncertain significance. Last evaluated: 2022-09-27. Review status: criteria provided, single submitter. Criteria: Invitae Variant Classification Sherloc (09022015). Collection method: clinical testing. Allele origin: germline.
Comment: This variant is present in population databases (rs375320551, gnomAD 0.01%). This variant has not been reported in the literature in individuals affected with ARHGEF1-related conditions. Algorithms developed to predict the effect of missense changes on protein structure and function are either unavailable or do not agree on the potential impact of this missense change (SIFT: "Deleterious"; PolyPhen-2: "Probably Damaging"; Align-GVGD: "Class C0"). In summary, the available evidence is currently insufficient to determine the role of this variant in disease. Therefore, it has been classified as a Variant of Uncertain Significance. This sequence change replaces threonine, which is neutral and polar, with methionine, which is neutral and non-polar, at codon 575 of the ARHGEF1 protein (p.Thr575Met).

NM_004706.4(ARHGEF1):c.1679C>T (p.Thr560Met)

Gene: ARHGEF1 (Rho guanine nucleotide exchange factor 1; plus strand). Cytogenetic location: 19q13.2.
Variant type: single nucleotide variant.
Coding change: c.1679C>T on transcript NM_004706.4 (MANE Select); coding-DNA position 1679, C replaced by T.
Protein change: p.Thr560Met; replaces threonine 560 with methionine.
Molecular consequence: missense variant. On other transcripts: non-coding transcript variant (2).
Genome position (GRCh38, 1-based): chr19:41,902,839, C>T. VCF-style: chr19-41902839-C-T. GRCh37 (hg19) VCF-style: chr19-42406989-C-T.
Other names: c.1847C>T, p.Thr616Met (NM_001396000.1); c.1580C>T, p.Thr527Met (NM_001396002.1, NM_001396004.1, NM_198977.2); c.1679C>T, p.Thr560Met (NM_001396003.1, NM_001396006.1); c.1724C>T, p.Thr575Met (NM_199002.2); short protein forms T527M, T575M, T560M, T616M.
Identifiers: ClinVar variation 1904350 (VCV001904350.5), dbSNP rs375320551, ClinGen allele CA9466439.